The following is an entry in ClinVar:

ClinVar aggregate classification (germline): Uncertain significance. Review status: criteria provided, multiple submitters, no conflicts (2 of 4 stars). 2 submissions from 2 submitters: Uncertain significance (2). Last evaluated 2024-12-13.

Conditions:
Primary dilated cardiomyopathy (DCM). Also called: Dilated Cardiomyopathy. Identifiers: Orphanet 217604, MedGen C0007193, MeSH D002311, MONDO:0005021, HP:0001644. Inheritance: Various modes of inheritance.
Left ventricular noncompaction 8 (LVNC8). Identifiers: Orphanet 154, Orphanet 54260, MedGen C3809288, MONDO:0014152, OMIM 615373.

Allele frequency attached by ClinVar (database versions not stated): gnomAD exomes below 0.00001; ExAC 0.00001; gnomAD 0.00001.
gnomAD v4.1: 6 of 1,611,358 alleles (0.00037%); highest among the groups gnomAD compares: Middle Eastern, 0.016%; no homozygotes.

Submissions (2):

Labcorp Genetics (formerly Invitae), Labcorp
Classification: Uncertain significance for Left ventricular noncompaction 8. Last evaluated: 2024-12-13. Review status: criteria provided, single submitter. Criteria: Invitae Variant Classification Sherloc (09022015). Collection method: clinical testing. Allele origin: germline.
Comment: This sequence change replaces methionine, which is neutral and non-polar, with leucine, which is neutral and non-polar, at codon 788 of the PRDM16 protein (p.Met788Leu). This variant is present in population databases (rs768208960, gnomAD no frequency). This variant has not been reported in the literature in individuals affected with PRDM16-related conditions. ClinVar contains an entry for this variant (Variation ID: 953465). An algorithm developed to predict the effect of missense changes on protein structure and function (PolyPhen-2) suggests that this variant is likely to be tolerated. In summary, the available evidence is currently insufficient to determine the role of this variant in disease. Therefore, it has been classified as a Variant of Uncertain Significance.

Loeys Lab, Universiteit Antwerpen
Classification: Uncertain significance for Primary dilated cardiomyopathy. Last evaluated: 2021-02-26. Review status: criteria provided, single submitter. Criteria: ACMG Guidelines, 2015. Collection method: clinical testing. Allele origin: somatic. Affected: yes. Observed: 1 variant allele, 1 heterozygote.
Comment: This sequence change results in a missense variant in the PRDM16 gene (p.(Met788Leu)). This variant is present in population databases with a prevalence of 1/243010 in GnomAD). The variant has not been described before. The variant affects a weakly conserved nucleotide and weakly conserved amino acid. No functional data are available. Prediction programs predict a benign effect (Align GVGD:C0,polymorphism; Polyphen-2-HumDiv: benign; Polyphen-2-HumVar: benign; SIFT: tolerated; Mutation Taster: polymorphism) (BP4). No data on segregation are available. In conclusion this variant was classified as a variant of unknown significance according to ACMG-guidelines (insufficient data, criteria for other classification are not met: BP4).

NM_022114.4(PRDM16):c.2362A>T (p.Met788Leu)

Gene: PRDM16 (PR/SET domain 16; plus strand). Cytogenetic location: 1p36.32.
Variant type: single nucleotide variant.
Coding change: c.2362A>T on transcript NM_022114.4 (MANE Select); coding-DNA position 2362, A replaced by T.
Protein change: p.Met788Leu; replaces methionine 788 with leucine.
Molecular consequence: missense variant.
Genome position (GRCh38, 1-based): chr1:3,412,559, A>T. VCF-style: chr1-3412559-A-T. GRCh37 (hg19) VCF-style: chr1-3329123-A-T.
Other names: c.2362A>T, p.Met788Leu (NM_199454.3); short protein forms M788L.
Identifiers: ClinVar variation 953465 (VCV000953465.12), dbSNP rs768208960, ClinGen allele CA544452.